The following is an entry in ClinVar:

ClinVar aggregate classification (germline): Conflicting classifications of pathogenicity. Review status: criteria provided, conflicting classifications (1 of 4 stars). 3 submissions from 3 submitters: Uncertain significance (1); Likely benign (1). 1 of the submissions does not count toward it. Last evaluated 2025-10-14.

Conditions:
Nemaline myopathy 2 (NEM2). Also called: Nemaline myopathy 2, autosomal recessive. Identifiers: MedGen C1850569, MONDO:0009725, OMIM 256030.

Allele frequency attached by ClinVar (database versions not stated): TOPMed below 0.00001; gnomAD 0.00001 and 0.00002; gnomAD exomes 0.00001 and 0.00002; ExAC 0.00002; 1000 Genomes Project 30x 0.00016; 1000 Genomes Project 0.00020.
gnomAD v4.1: 11 of 1,613,916 alleles (0.00068%); highest among the groups gnomAD compares: Admixed American, 0.0033%; no homozygotes.

Submissions (3):

Labcorp Genetics (formerly Invitae), Labcorp
Classification: Likely benign for Nemaline myopathy 2. Last evaluated: 2025-10-14. Review status: criteria provided, single submitter. Criteria: Invitae Variant Classification Sherloc (09022015). Collection method: clinical testing. Allele origin: germline.

GeneDx
Classification: Uncertain significance. Last evaluated: 2017-04-07. Review status: criteria provided, single submitter. Criteria: GeneDx Variant Classification (06012015). Collection method: clinical testing. Allele origin: germline. Affected: yes.
Comment: The A7376V variant has not been published as a pathogenic variant, nor has it been reported as a benign variant to our knowledge. The A7376V variant is not observed at a significant frequency in large population cohorts (Lek et al., 2016; 1000 Genomes Consortium et al., 2015; Exome Variant Server). This variant is a conservative amino acid substitution, which is not likely to impact secondary protein structure as these residues share similar properties. Additionally, missense variants in nearby residues have not been reported in the Human Gene Mutation Database in association with nemaline myopathy (Stenson et al., 2014). However, this substitution occurs at a position that is conserved across species, and in silico analysis is inconsistent in its predictions as to whether or not the variant is damaging to the protein structure/function.

Natera, Inc.
Classification: Uncertain significance for Nemaline myopathy type 2. Last evaluated: 2019-11-11. Review status: no assertion criteria provided. Collection method: clinical testing. Allele origin: germline. Not counted in ClinVar's aggregate classification.

NM_001164508.2(NEB):c.22022C>T (p.Ala7341Val)

Genes: NEB (nebulin; minus strand), RIF1 (replication timing regulatory factor 1; plus strand). Cytogenetic location: 2q23.3.
Variant type: single nucleotide variant.
Coding change: c.22022C>T on transcript NM_001164508.2 (MANE Select); coding-DNA position 22022, C replaced by T.
Protein change: p.Ala7341Val; replaces alanine 7341 with valine.
Molecular consequence: missense variant.
Genome position (GRCh38, 1-based): chr2:151,526,186, G>A on the plus strand (C>T on the coding strand, the complement: NEB is on the minus strand). VCF-style: chr2-151526186-G-A. GRCh37 (hg19) VCF-style: chr2-152382700-G-A.
Other names: c.22022C>T, p.Ala7341Val (NM_001164507.2); c.22127C>T, p.Ala7376Val (NM_001271208.2); c.16919C>T, p.Ala5640Val (NM_004543.5); short protein forms A7376V, A7341V, A5640V.
Identifiers: ClinVar variation 426678 (VCV000426678.6), dbSNP rs550296441, ClinGen allele CA1906807.